The following is an entry in ClinVar:

ClinVar aggregate classification (germline): Likely benign. Review status: criteria provided, multiple submitters, no conflicts (2 of 4 stars). 2 submissions from 2 submitters: Likely benign (2). Last evaluated 2024-08-06.

Conditions:
Cardiomyopathy (CMYO). Also called: Cardiomyopathies. Identifiers: Orphanet 167848, MedGen C0878544, MONDO:0004994, HP:0001638. Inheritance: Various modes of inheritance.
Hypertrophic cardiomyopathy. Also called: HYPERTROPHIC MYOCARDIOPATHY. Identifiers: Orphanet 217569, MedGen C0007194, MeSH D002312, MONDO:0005045, HP:0001639.

Submissions (2):

All of Us Research Program, National Institutes of Health
Classification: Likely benign for Hypertrophic cardiomyopathy. Last evaluated: 2024-08-06. Review status: criteria provided, single submitter. Criteria: ACMG Guidelines, 2015. Collection method: clinical testing. Allele origin: germline. Inheritance: Autosomal dominant inheritance. Observed: 1 variant allele, 1 heterozygote.
Comment: This study involves interpretation of variants in research participants for the purpose of population health screening. Participant phenotype was not available at the time of variant classification. Additional details can be found in publication PMID: 35346344, PMCID: PMC8962531

Color Diagnostics, LLC DBA Color Health
Classification: Likely benign for Cardiomyopathy. Last evaluated: 2019-12-23. Review status: criteria provided, single submitter. Criteria: ACMG Guidelines, 2015. Collection method: clinical testing. Allele origin: germline.

NM_000256.3(MYBPC3):c.3402C>G (p.Gly1134=)

Gene: MYBPC3 (myosin binding protein C3; minus strand). Cytogenetic location: 11p11.2.
Variant type: single nucleotide variant.
Coding change: c.3402C>G on transcript NM_000256.3 (MANE Select); coding-DNA position 3402, C replaced by G.
Protein change: p.Gly1134=; no amino-acid change (glycine 1134 retained).
Molecular consequence: synonymous variant.
Genome position (GRCh38, 1-based): chr11:47,332,902, G>C on the plus strand (C>G on the coding strand, the complement: MYBPC3 is on the minus strand). VCF-style: chr11-47332902-G-C. GRCh37 (hg19) VCF-style: chr11-47354453-G-C.
Identifiers: ClinVar variation 921711 (VCV000921711.3), dbSNP rs2095878629, ClinGen allele CA474429046.